The following is an entry in ClinVar:

NM_001370785.2(LRRC7):c.3746G>A (p.Gly1249Asp)

Genes: LRRC7 (leucine rich repeat containing 7; plus strand), LRRC7-AS1 (LRRC7 antisense RNA 1; minus strand). Cytogenetic location: 1p31.1.
Variant type: single nucleotide variant.
Coding change: c.3746G>A on transcript NM_001370785.2 (MANE Select); coding-DNA position 3746, G replaced by A.
Protein change: p.Gly1249Asp; replaces glycine 1249 with aspartic acid.
Molecular consequence: missense variant.
Genome position (GRCh38, 1-based): chr1:70,039,570, G>A. VCF-style: chr1-70039570-G-A. GRCh37 (hg19) VCF-style: chr1-70505253-G-A.
Other names: NM_020794.2:c.3632G>A; c.3647G>A, p.Gly1216Asp (NM_001330635.3, NM_001366841.1); c.3749G>A, p.Gly1250Asp (NM_001350216.3); c.3746G>A, p.Gly1249Asp (NM_001366838.3); c.3587G>A, p.Gly1196Asp (NM_001366839.3); short protein forms G1196D, G1216D, G1249D, G1250D.
Identifiers: ClinVar variation 5010082 (VCV005010082.1).

ClinVar aggregate classification (germline): Uncertain significance (1 of 4 stars; one submission).

Submission:

GeneDx
Classification: Uncertain significance. Last evaluated: 2026-02-23. Review status: criteria provided, single submitter. Criteria: GeneDx Variant Classification Process June 2021. Collection method: clinical testing. Allele origin: germline.
Comment: Not observed at significant frequency in large population cohorts (gnomAD); In silico analysis supports that this missense variant has a deleterious effect on protein structure/function; Has not been previously published as pathogenic or benign to our knowledge